The following is an entry in ClinVar:

ClinVar aggregate classification (germline): Uncertain significance (1 of 4 stars; one submission).

Conditions:
Charcot-Marie-Tooth disease, type I (CMT1). Also called: Charcot-Marie-Tooth disease type 1; Charcot-Marie-Tooth, Type 1. Identifiers: Orphanet 65753, MedGen C0751036, MONDO:0019011.

Submission:

Labcorp Genetics (formerly Invitae), Labcorp
Classification: Uncertain significance for Charcot-Marie-Tooth disease, type I. Last evaluated: 2024-02-23. Review status: criteria provided, single submitter. Criteria: Invitae Variant Classification Sherloc (09022015). Collection method: clinical testing. Allele origin: germline.
Comment: This sequence change replaces methionine, which is neutral and non-polar, with arginine, which is basic and polar, at codon 197 of the MPZ protein (p.Met197Arg). This variant is not present in population databases (gnomAD no frequency). This variant has not been reported in the literature in individuals affected with MPZ-related conditions. ClinVar contains an entry for this variant (Variation ID: 1721582). Advanced modeling of protein sequence and biophysical properties (such as structural, functional, and spatial information, amino acid conservation, physicochemical variation, residue mobility, and thermodynamic stability) performed at Invitae indicates that this missense variant is not expected to disrupt MPZ protein function with a negative predictive value of 80%. Algorithms developed to predict the effect of sequence changes on RNA splicing suggest that this variant may disrupt the consensus splice site. In summary, the available evidence is currently insufficient to determine the role of this variant in disease. Therefore, it has been classified as a Variant of Uncertain Significance.

NM_000530.8(MPZ):c.590T>G (p.Met197Arg)

Gene: MPZ (myelin protein zero; minus strand). Cytogenetic location: 1q23.3.
Variant type: single nucleotide variant.
Coding change: c.590T>G on transcript NM_000530.8 (MANE Select); coding-DNA position 590, T replaced by G.
Protein change: p.Met197Arg; replaces methionine 197 with arginine.
Molecular consequence: missense variant.
Genome position (GRCh38, 1-based): chr1:161,306,163, A>C on the plus strand (T>G on the coding strand, the complement: MPZ is on the minus strand). VCF-style: chr1-161306163-A-C. GRCh37 (hg19) VCF-style: chr1-161275953-A-C.
Other names: c.590T>G, p.Met197Arg (NM_001315491.2); short protein forms M197R.
Identifiers: ClinVar variation 1721582 (VCV001721582.5), dbSNP rs2526234406, ClinGen allele CA343345008.